The following is an entry in ClinVar:

ClinVar aggregate classification (germline): Pathogenic (1 of 4 stars; one submission).

Conditions:
Cardiovascular phenotype. Identifiers: MedGen CN230736.

Submission:

Ambry Genetics
Classification: Pathogenic for Cardiovascular phenotype. Last evaluated: 2024-01-25. Review status: criteria provided, single submitter. Criteria: Ambry Variant Classification Scheme 2023. Collection method: clinical testing. Allele origin: germline.
Comment: The c.5118delC pathogenic mutation, located in coding exon 30 of the FLNC gene, results from a deletion of one nucleotide at nucleotide position 5118, causing a translational frameshift with a predicted alternate stop codon (p.Y1706*). This variant is considered to be rare based on population cohorts in the Genome Aggregation Database (gnomAD). This alteration is expected to result in loss of function by premature protein truncation or nonsense-mediated mRNA decay. Based on the supporting evidence, this variant is expected to be causative of FLNC-related dilated cardiomyopathy; however, its clinical significance for FLNC-related hypertrophic/restrictive cardiomyopathy and/or skeletal myopathy is unclear.

NM_001458.5(FLNC):c.5118del (p.Tyr1705_Tyr1706insTer)

Gene: FLNC (filamin C; plus strand). Cytogenetic location: 7q32.1.
Variant type: Deletion.
Coding change: c.5118del on transcript NM_001458.5 (MANE Select); coding-DNA position 5118, one base deleted (C; older notation c.5118delC).
Protein change: p.Tyr1705_Tyr1706insTer.
Molecular consequence: nonsense.
Genome position (GRCh38, 1-based): chr7:128,849,497, C deleted. VCF-style (leftmost placement, unchanged base first): chr7-128849496-AC-A. GRCh37 (hg19) VCF-style: chr7-128489550-AC-A.
Other names: c.5118del, p.Tyr1705_Tyr1706insTer (NM_001127487.2).
Identifiers: ClinVar variation 3221737 (VCV003221737.1), dbSNP rs2536650638, ClinGen allele CA2825001533.